The following is an entry in ClinVar:

ClinVar aggregate classification (germline): Uncertain significance. Review status: criteria provided, multiple submitters, no conflicts (2 of 4 stars). 12 submissions from 12 submitters: Uncertain significance (11). 1 of the submissions does not count toward it. Last evaluated 2026-09-01.

Conditions:
Left ventricular noncompaction 10 (LVNC10). Identifiers: Orphanet 154, Orphanet 54260, MedGen C3715165, MONDO:0014163, OMIM 615396.
Hypertrophic cardiomyopathy 4. Also called: Familial hypertrophic cardiomyopathy 4. Identifiers: MedGen C1861862, MONDO:0007268, OMIM 115197.
Cardiovascular phenotype. Identifiers: MedGen CN230736.
Cardiomyopathy (CMYO). Also called: Cardiomyopathies. Identifiers: Orphanet 167848, MedGen C0878544, MONDO:0004994, HP:0001638. Inheritance: Various modes of inheritance.
Hypertrophic cardiomyopathy. Also called: HYPERTROPHIC MYOCARDIOPATHY. Identifiers: Orphanet 217569, MedGen C0007194, MeSH D002312, MONDO:0005045, HP:0001639.

Allele frequency attached by ClinVar (database versions not stated): gnomAD 0.00003 and 0.00004; TOPMed 0.00003; gnomAD exomes 0.00005; ExAC 0.00006.
gnomAD v4.1: 35 of 1,613,716 alleles (0.0022%); highest among the groups gnomAD compares: South Asian, 0.012%; no homozygotes.

Submissions (12):

CeGaT Center for Human Genetics Tuebingen
Classification: Uncertain significance. Last evaluated: 2026-09-01. Review status: criteria provided, single submitter. Criteria: CeGaT Center For Human Genetics Tuebingen Variant Classification Criteria Version 2. Collection method: clinical testing. Allele origin: germline. Affected: yes. Observed: 1 variant allele.

Labcorp Genetics (formerly Invitae), Labcorp
Classification: Uncertain significance for Hypertrophic cardiomyopathy. Last evaluated: 2025-08-16. Review status: criteria provided, single submitter. Criteria: Invitae Variant Classification Sherloc (09022015). Collection method: clinical testing. Allele origin: germline.
Comment: This sequence change replaces arginine, which is basic and polar, with cysteine, which is neutral and slightly polar, at codon 1226 of the MYBPC3 protein (p.Arg1226Cys). This variant is present in population databases (rs397516033, gnomAD 0.02%). This missense change has been observed in individual(s) with MYBPC3-related conditions (PMID: 27532257, 28255936, 31901299, 37652022). ClinVar contains an entry for this variant (Variation ID: 42731). An algorithm developed to predict the effect of missense changes on protein structure and function (PolyPhen-2) suggests that this variant is likely to be disruptive. In summary, the available evidence is currently insufficient to determine the role of this variant in disease. Therefore, it has been classified as a Variant of Uncertain Significance.

Women's Health and Genetics/Laboratory Corporation of America, LabCorp
Classification: Uncertain significance. Last evaluated: 2025-07-07. Review status: criteria provided, single submitter. Criteria: LabCorp Variant Classification Summary - May 2015. Collection method: clinical testing. Allele origin: germline.
Comment: Variant summary: MYBPC3 c.3676C>T (p.Arg1226Cys) results in a non-conservative amino acid change located in the Immunoglobulin-like domain (IPR007110) of the encoded protein sequence. Algorithms developed to predict the effect of missense changes on protein structure and function all suggest that this variant is likely to be disruptive. The variant allele was found at a frequency of 4.8e-05 in 249220 control chromosomes. This frequency is not significantly higher than estimated for a pathogenic variant in MYBPC3 causing Cardiomyopathy (4.8e-05 vs 0.001), allowing no conclusion about variant significance. . c.3676C>T has been reported in the literature in individuals affected with Sudden Cardiac Death (Campuzano_2017), Cardiomyopathy (Walsh_2017, Mademont-Soler_2017) and Left Ventricular Noncompaction (Azevedo_2019), without evidence for causality. Co-occurrence with at least one other pathogenic variant has been reported (MYH7 c.2167C>G, p.Arg723Gly, Mademont-Soler_2017), providing supporting evidence for a benign role. To our knowledge, no experimental evidence demonstrating an impact on protein function has been reported. The following publications have been ascertained in the context of this evaluation (PMID: 31901299, 28255936, 28771489, 27532257, 37652022). ClinVar contains an entry for this variant (Variation ID: 42731). Based on the evidence outlined above, the variant was classified as uncertain significance.

Color Diagnostics, LLC DBA Color Health
Classification: Uncertain significance for Cardiomyopathy. Last evaluated: 2025-06-24. Review status: criteria provided, single submitter. Criteria: ACMG Guidelines, 2015. Collection method: clinical testing. Allele origin: germline.
Comment: This missense variant replaces arginine with cysteine at codon 1226 of the MYBPC3 protein. Computational prediction suggests that this variant may have a deleterious impact on protein structure and function. To our knowledge, functional studies have not been reported for this variant. This variant has been reported in at least 5 individual affected with hypertrophic cardiomyopathy (PMID: 28771489, 27532257, 37652022 doi:10.1016/j.ejmhg.2017.05.002). It has also been reported in an individual affected with left ventricular noncompactionthis individual also carried a different pathogenic variant in the same gene (PMID: 31901299). This variant has been identified in 12/249220 chromosomes in the general population by the Genome Aggregation Database (gnomAD). The available evidence is insufficient to determine the role of this variant in disease conclusively. Therefore, this variant is classified as a Variant of Uncertain Significance.

Blueprint Genetics
Classification: Uncertain significance. Last evaluated: 2024-09-03. Review status: criteria provided, single submitter. Criteria: ACMG Guidelines, 2015. Collection method: clinical testing. Allele origin: germline.

All of Us Research Program, National Institutes of Health
Classification: Uncertain significance for Hypertrophic cardiomyopathy. Last evaluated: 2023-03-04. Review status: criteria provided, single submitter. Criteria: ACMG Guidelines, 2015. Collection method: clinical testing. Allele origin: germline. Inheritance: Autosomal dominant inheritance. Observed: 1 variant allele, 1 heterozygote.
Comment: This missense variant replaces arginine with cysteine at codon 1226 of the MYBPC3 protein. Computational prediction is inconclusive regarding the impact of this variant on protein structure and function (internally defined REVEL score threshold 0.5 < inconclusive < 0.7, PMID: 27666373). To our knowledge, functional studies have not been reported for this variant. This variant has been reported in at least 5 individual affected with hypertrophic cardiomyopathy (PMID: 28771489, 27532257, doi:10.1016/j.ejmhg.2017.05.002). This variant has been identified in 12/249220 chromosomes in the general population by the Genome Aggregation Database (gnomAD). The available evidence is insufficient to determine the role of this variant in disease conclusively. Therefore, this variant is classified as a Variant of Uncertain Significance.

This study involves interpretation of variants in research participants for the purpose of population health screening. Participant phenotype was not available at the time of variant classification. Additional details can be found in publication PMID: 35346344, PMCID: PMC8962531

Ambry Genetics
Classification: Uncertain significance for Cardiovascular phenotype. Last evaluated: 2022-05-13. Review status: criteria provided, single submitter. Criteria: Ambry Variant Classification Scheme 2023. Collection method: clinical testing. Allele origin: germline.

GeneDx
Classification: Uncertain significance. Last evaluated: 2022-03-16. Review status: criteria provided, single submitter. Criteria: GeneDx Variant Classification Process June 2021. Collection method: clinical testing. Allele origin: germline. Affected: yes.
Comment: Reported in multiple individuals with hypertrophic cardiomyopathy or sudden death, however, clinical details were limited and at least two patients harbored additional disease-related variants (Kassem et al., 2017; Walsh et al., 2017; Campuzano et al., 2017; Mademont-Soler et al., 2017); In silico analysis supports that this missense variant has a deleterious effect on protein structure/function; This variant is associated with the following publications: (PMID: 27532257, 28255936, 28771489)

Fulgent Genetics
Classification: Uncertain significance for Hypertrophic cardiomyopathy 4; Left ventricular noncompaction 10. Last evaluated: 2021-09-03. Review status: criteria provided, single submitter. Criteria: ACMG Guidelines, 2015. Collection method: clinical testing. Allele origin: unknown.

CHEO Genetics Diagnostic Laboratory, Children's Hospital of Eastern Ontario
Classification: Uncertain significance for Cardiomyopathy. Last evaluated: 2019-10-10. Review status: criteria provided, single submitter. Criteria: ACMG Guidelines, 2015. Collection method: clinical testing. Allele origin: germline.

Stanford Center for Inherited Cardiovascular Disease, Stanford University
Classification: Uncertain significance. Last evaluated: 2015-11-12. Review status: criteria provided, single submitter. Criteria: ACMG Guidelines, 2015. Collection method: provider interpretation. Allele origin: germline.

Laboratory for Molecular Medicine, Mass General Brigham Personalized Medicine
Classification: Uncertain significance. Last evaluated: 2008-03-01. Review status: no assertion criteria provided. Collection method: clinical testing. Allele origin: germline. Observed: 1 variant allele. Not counted in ClinVar's aggregate classification.

Literature cited by the submitters: PubMed 27532257 (cited by 4 submitters); PubMed 28255936 (cited by Labcorp Genetics (formerly Invitae), Labcorp and Women's Health and Genetics/Laboratory Corporation of America, LabCorp); PubMed 31901299 (cited by 3 submitters); PubMed 37652022 (cited by 3 submitters); PubMed 28771489 (cited by 3 submitters).

NM_000256.3(MYBPC3):c.3676C>T (p.Arg1226Cys)

Gene: MYBPC3 (myosin binding protein C3; minus strand). Cytogenetic location: 11p11.2.
Variant type: single nucleotide variant.
Coding change: c.3676C>T on transcript NM_000256.3 (MANE Select); coding-DNA position 3676, C replaced by T.
Protein change: p.Arg1226Cys; replaces arginine 1226 with cysteine.
Molecular consequence: missense variant.
Genome position (GRCh38, 1-based): chr11:47,332,210, G>A on the plus strand (C>T on the coding strand, the complement: MYBPC3 is on the minus strand). VCF-style: chr11-47332210-G-A. GRCh37 (hg19) VCF-style: chr11-47353761-G-A.
Other names: short protein forms R1226C.
Identifiers: ClinVar variation 42731 (VCV000042731.27), dbSNP rs397516033, ClinGen allele CA014587.